The following is an entry in ClinVar:

NM_020987.5(ANK3):c.11990T>C (p.Ile3997Thr)

Gene: ANK3 (ankyrin 3; minus strand). Cytogenetic location: 10q21.2.
Variant type: single nucleotide variant.
Coding change: c.11990T>C on transcript NM_020987.5 (MANE Select); coding-DNA position 11990, T replaced by C.
Protein change: p.Ile3997Thr; replaces isoleucine 3997 with threonine.
Molecular consequence: missense variant. On other transcripts: intron variant (4).
Genome position (GRCh38, 1-based): chr10:60,068,891, A>G on the plus strand (T>C on the coding strand, the complement: ANK3 is on the minus strand). VCF-style: chr10-60068891-A-G. GRCh37 (hg19) VCF-style: chr10-61828649-A-G.
Other names: c.4388-882T>C (NM_001204403.2); c.4409-882T>C (NM_001204404.2); c.4406-882T>C (NM_001320874.2); c.1808-882T>C (NM_001149.4); short protein forms I3997T.
Identifiers: ClinVar variation 387710 (VCV000387710.7), dbSNP rs370147674, ClinGen allele CA5510991.
Genomic context (GRCh38, chr10:60,068,891, plus strand): 5'-TCTTCAGAGAGGCGGTCCACAAGCTTTAAGGTCTCACCACTAATTCCCTTAAAATATTCA[A>G]TGGAATGTTTACATACTTCCTTGAGCTGACTTTTCCTAACTTTAACTGTGCAGCTGGTGG-3'
Protein context (NP_066267.2, residues 3987-4007): SQLKEVCKHS[Ile3997Thr]EYFKGISGET

ClinVar aggregate classification (germline): Uncertain significance. Review status: criteria provided, multiple submitters, no conflicts (2 of 4 stars). 3 submissions from 3 submitters: Uncertain significance (3). Last evaluated 2025-09-29.

Allele frequency attached by ClinVar (database versions not stated): ExAC 0.00001; ESP Exome Variant Server 0.00008.
gnomAD v4.1: 5 of 1,614,058 alleles (0.00031%); highest among the groups gnomAD compares: Non-Finnish European, 0.00042%; no homozygotes.

Submissions (3):

Labcorp Genetics (formerly Invitae), Labcorp
Classification: Uncertain significance. Last evaluated: 2025-09-29. Review status: criteria provided, single submitter. Criteria: Invitae Variant Classification Sherloc (09022015). Collection method: clinical testing. Allele origin: germline.
Comment: This sequence change replaces isoleucine, which is neutral and non-polar, with threonine, which is neutral and polar, at codon 3997 of the ANK3 protein (p.Ile3997Thr). This variant is present in population databases (rs370147674, gnomAD 0.002%). This variant has not been reported in the literature in individuals affected with ANK3-related conditions. ClinVar contains an entry for this variant (Variation ID: 387710). Invitae Evidence Modeling of protein sequence and biophysical properties (such as structural, functional, and spatial information, amino acid conservation, physicochemical variation, residue mobility, and thermodynamic stability) indicates that this missense variant is not expected to disrupt ANK3 protein function with a negative predictive value of 80%. In summary, the available evidence is currently insufficient to determine the role of this variant in disease. Therefore, it has been classified as a Variant of Uncertain Significance.

Genetic Services Laboratory, University of Chicago
Classification: Uncertain significance. Last evaluated: 2021-01-27. Review status: criteria provided, single submitter. Criteria: ACMG Guidelines, 2015. Collection method: clinical testing. Allele origin: germline. Affected: no.
Comment: DNA sequence analysis of the ANK3 gene demonstrated a sequence change, c.11990T>C, in exon 37 that results in an amino acid change, p.Ile3997Thr. This sequence change does not appear to have been previously described in patients with ANK3-related disorders and has been described in the gnomAD database in two individuals with an overall population frequency of 0.0008% (dbSNP rs370147674). The p.Ile3997Thr change affects a poorly conserved amino acid residue located in a domain of the ANK3 protein that is not known to be functional. In-silico pathogenicity prediction tools (SIFT, PolyPhen2, Align GVGD, REVEL) provide contradictory results for the p.Ile3997Thr substitution. Due to these contrasting evidences and the lack of functional studies, the clinical significance of the p.Ile3997Thr change remains unknown at this time.

GeneDx
Classification: Uncertain significance. Last evaluated: 2016-07-22. Review status: criteria provided, single submitter. Criteria: GeneDx Variant Classification (06012015). Collection method: clinical testing. Allele origin: germline. Affected: yes.
Comment: The I3997T variant in the ANK3 gene has not been reported previously as a pathogenic variant, nor as a benign variant, to our knowledge. The I3997T variant was not observed at any significant frequency in approximately 6500 individuals of European and African American ancestry in the NHLBI Exome Sequencing Project, indicating it is not a common benign variant in these populations. The I3997T variant is a non-conservative amino acid substitution, which is likely to impact secondary protein structure as these residues differ in polarity, charge, size and/or other properties. This substitution occurs at a position that is conserved across species. In silico analysis predicts this variant is probably damaging to the protein structure/function. We interpret I3997T as a variant of uncertain significance.